The following is an entry in ClinVar:

NM_133510.4(RAD51B):c.316-4_316-3dup

Gene: RAD51B (RAD51 paralog B; plus strand). Cytogenetic location: 14q24.1.
Variant type: Duplication.
Coding change: c.316-4_316-3dup on transcript NM_133510.4 (MANE Select); 4 bases into the intron before coding-DNA position 316 through 3 bases into the intron before coding-DNA position 316, 2 bases duplicated (TT; older notation c.316-4_316-3dupTT).
Molecular consequence: intron variant.
Genome position (GRCh38, 1-based): chr14:67,864,999-67,865,000, TT duplicated; duplicating any 2 consecutive bases within chr14:67,864,962-67,865,000 gives the same sequence; the c. name uses the placement nearest the transcript's 3' end. VCF-style (leftmost placement, unchanged base first): chr14-67864961-C-CTT. GRCh37 (hg19) VCF-style: chr14-68331678-C-CTT.
Other names: c.316-4_316-3dup (NM_001321818.2, NM_001321809.2, NM_001321821.2 and 6 more transcripts); c.-42-4_-42-3dup (NM_001321817.2); c.202-4_202-3dup (NM_001321815.1).
Identifiers: ClinVar variation 5041286 (VCV005041286.1).

ClinVar aggregate classification (germline): Likely benign (1 of 4 stars; one submission).

Submission:

CeGaT Center for Human Genetics Tuebingen
Classification: Likely benign. Last evaluated: 2026-09-01. Review status: criteria provided, single submitter. Criteria: CeGaT Center For Human Genetics Tuebingen Variant Classification Criteria Version 2. Collection method: clinical testing. Allele origin: germline. Affected: yes. Observed: 1 variant allele.
Comment: RAD51B: BS2